The following is an entry in ClinVar:

ClinVar aggregate classification (germline): Uncertain significance (1 of 4 stars; one submission).

Submission:

CeGaT Center for Human Genetics Tuebingen
Classification: Uncertain significance. Last evaluated: 2026-03-01. Review status: criteria provided, single submitter. Criteria: CeGaT Center For Human Genetics Tuebingen Variant Classification Criteria Version 2. Collection method: clinical testing. Allele origin: germline. Affected: yes. Observed: 1 variant allele.
Comment: KCNA3: PP2, BP4

NM_002232.5(KCNA3):c.1498A>G (p.Met500Val)

Gene: KCNA3 (potassium voltage-gated channel subfamily A member 3; minus strand). Cytogenetic location: 1p13.3.
Variant type: single nucleotide variant.
Coding change: c.1498A>G on transcript NM_002232.5 (MANE Select); coding-DNA position 1498, A replaced by G.
Protein change: p.Met500Val; replaces methionine 500 with valine.
Molecular consequence: missense variant. On other transcripts: non-coding transcript variant (1).
Genome position (GRCh38, 1-based): chr1:110,673,312, T>C on the plus strand (A>G on the coding strand, the complement: KCNA3 is on the minus strand). VCF-style: chr1-110673312-T-C. GRCh37 (hg19) VCF-style: chr1-111215934-T-C.
Other names: short protein forms M500V.
Identifiers: ClinVar variation 4823754 (VCV004823754.4).